The following is an entry in ClinVar:

ClinVar aggregate classification (germline): Uncertain significance (1 of 4 stars; one submission).

Conditions:
Creatine transporter deficiency (CCDS1). Also called: CEREBRAL CREATINE DEFICIENCY SYNDROME 1; Creatine Transporter (CRTR) Deficiency; Mental retardation , X-linked with seizures, short stature and midface hypoplasia; Mental retardation , X-linked, with creatine transport deficiency; X-linked creatine transporter deficiency; X-linked creatine deficiency syndrome. Identifiers: Orphanet 52503, MedGen C1845862, MONDO:0010305, OMIM 300352.

Submission:

Labcorp Genetics (formerly Invitae), Labcorp
Classification: Uncertain significance for Creatine transporter deficiency. Last evaluated: 2022-03-13. Review status: criteria provided, single submitter. Criteria: Invitae Variant Classification Sherloc (09022015). Collection method: clinical testing. Allele origin: germline.
Comment: In summary, the available evidence is currently insufficient to determine the role of this variant in disease. Therefore, it has been classified as a Variant of Uncertain Significance. Advanced modeling of protein sequence and biophysical properties (such as structural, functional, and spatial information, amino acid conservation, physicochemical variation, residue mobility, and thermodynamic stability) performed at Invitae indicates that this missense variant is not expected to disrupt SLC6A8 protein function. This variant has not been reported in the literature in individuals affected with SLC6A8-related conditions. This variant is not present in population databases (gnomAD no frequency). This sequence change replaces valine, which is neutral and non-polar, with methionine, which is neutral and non-polar, at codon 422 of the SLC6A8 protein (p.Val422Met).

NM_005629.4(SLC6A8):c.1264G>A (p.Val422Met)

Gene: SLC6A8 (solute carrier family 6 member 8; plus strand). Cytogenetic location: Xq28.
Variant type: single nucleotide variant.
Coding change: c.1264G>A on transcript NM_005629.4 (MANE Select); coding-DNA position 1264, G replaced by A.
Protein change: p.Val422Met; replaces valine 422 with methionine.
Molecular consequence: missense variant.
Genome position (GRCh38, 1-based): chrX:153,694,139, G>A. VCF-style: chrX-153694139-G-A. GRCh37 (hg19) VCF-style: chrX-152959594-G-A.
Other names: c.1234G>A, p.Val412Met (NM_001142805.2); c.919G>A, p.Val307Met (NM_001142806.1); short protein forms V412M, V307M, V422M.
Identifiers: ClinVar variation 1954545 (VCV001954545.5), dbSNP rs2522166187, ClinGen allele CA415086684.
Genomic context (GRCh38, chrX:153,694,139, plus strand): 5'-GAAAGGGGTGGAGGGCGGTGCGGGGCTCGGCCTGAGCTGCCCTGGCCACAGTTTGTAGGT[G>A]TGGAGGGCTTCATCACCGGCCTCCTCGACCTCCTCCCGGCCTCCTACTACTTCCGTTTCC-3'
Protein context (NP_005620.1, residues 412-432): LLGLDSQFVG[Val422Met]EGFITGLLDL